The following is an entry in ClinVar:

NM_015335.5(MED13L):c.5095del (p.Trp1699fs)

Gene: MED13L (mediator complex subunit 13L; minus strand). Cytogenetic location: 12q24.21.
Variant type: Deletion.
Coding change: c.5095del on transcript NM_015335.5 (MANE Select); coding-DNA position 5095, one base deleted (T; older notation c.5095delT).
Protein change: p.Trp1699fs; shifts the reading frame from tryptophan 1699.
Molecular consequence: frameshift variant.
Genome position (GRCh38, 1-based): chr12:115,982,464, A deleted on the plus strand (T on the coding strand, the reverse complement: MED13L is on the minus strand); the first of 4 consecutive A bases (chr12:115,982,464-115,982,467); deleting any one gives the same sequence. VCF-style (leftmost placement, unchanged base first): chr12-115982463-CA-C. GRCh37 (hg19) VCF-style: chr12-116420268-CA-C.
Other names: short protein forms W1699fs.
Identifiers: ClinVar variation 4850197 (VCV004850197.1).

ClinVar aggregate classification (germline): Pathogenic (1 of 4 stars; one submission).

Conditions:
Cardiac anomalies - developmental delay - facial dysmorphism syndrome (MRFACD). Also called: MED13L Syndrome; Impaired intellectual development and distinctive facial features with or without cardiac defects. Identifiers: Orphanet 369891, MedGen C5192431, MONDO:0014773, OMIM 616789.

Submission:

Variantyx, Inc.
Classification: Pathogenic for Cardiac anomalies - developmental delay - facial dysmorphism syndrome. Last evaluated: 2025-12-29. Review status: criteria provided, single submitter. Criteria: Variantyx Assertion Criteria 2022. Collection method: clinical testing. Allele origin: de novo. Inheritance: Autosomal dominant inheritance. Affected: yes.
Comment: This is a frameshift variant in the MED13L gene (OMIM: 608771). Pathogenic variants in this gene have been associated with autosomal dominant impaired intellectual development and distinctive facial features with or without cardiac defects. This variant introduces a premature termination codon in exon 22 out of 31 and is expected to result in loss of function, which is a known disease mechanism for MED13L in this disorder (PMID: 24781760, 25712080, 25106414) (PVS1). This variant is absent from control populations (PM2) and it has not been reported in individuals with MED13L-related disorders in the databases available for review. Based on the current evidence, this variant is classified as pathogenic for autosomal dominant impaired intellectual development and distinctive facial features with or without cardiac defects.

Literature cited by the submitters: PubMed 24781760; PubMed 25712080; PubMed 25106414.